The following is an entry in ClinVar:

NM_000283.4(PDE6B):c.409G>A (p.Gly137Arg)

Gene: PDE6B (phosphodiesterase 6B; plus strand). Cytogenetic location: 4p16.3.
Variant type: single nucleotide variant.
Coding change: c.409G>A on transcript NM_000283.4 (MANE Select); coding-DNA position 409, G replaced by A.
Protein change: p.Gly137Arg; replaces glycine 137 with arginine.
Molecular consequence: missense variant.
Genome position (GRCh38, 1-based): chr4:626,035, G>A. VCF-style: chr4-626035-G-A. GRCh37 (hg19) VCF-style: chr4-619824-G-A.
Other names: c.409G>A, p.Gly137Arg (NM_001145291.2); short protein forms G137R.
Identifiers: ClinVar variation 425323 (VCV000425323.51), dbSNP rs781658083, ClinGen allele CA2793936.
Genomic context (GRCh38, chr4:626,035, plus strand): 5'-AGCGTCCTGGAGGACTGCCTGGTGCCCCCCGACTCCGAGATCGTCTTCCCACTGGACATC[G>A]GGGTCGTGGGCCACGTGGCTCAGACCAAAAAGATGGTGAACGTCGAGGACGTGGCCGAGG-3'
Protein context (NP_000274.3, residues 127-147): DSEIVFPLDI[Gly137Arg]VVGHVAQTKK

ClinVar aggregate classification (germline): Conflicting classifications of pathogenicity. Review status: criteria provided, conflicting classifications (1 of 4 stars). 4 submissions from 4 submitters: Pathogenic (1); Uncertain significance (3). Last evaluated 2025-10-22.

Conditions:
Retinitis pigmentosa (RP). Identifiers: Orphanet 791, MedGen C0035334, MeSH D012174, MONDO:0019200, OMIM 268000. Inheritance: Autosomal dominant, autosomal recessive and X linked inheritance.

Allele frequency attached by ClinVar (database versions not stated): gnomAD exomes 0.00001; ExAC 0.00002.
gnomAD v4.1: 9 of 1,595,730 alleles (0.00056%); highest among the groups gnomAD compares: East Asian, 0.0023%; no homozygotes.

Submissions (4):

Labcorp Genetics (formerly Invitae), Labcorp
Classification: Pathogenic. Last evaluated: 2025-10-22. Review status: criteria provided, single submitter. Criteria: Invitae Variant Classification Sherloc (09022015). Collection method: clinical testing. Allele origin: germline.
Comment: This sequence change replaces glycine, which is neutral and non-polar, with arginine, which is basic and polar, at codon 137 of the PDE6B protein (p.Gly137Arg). The frequency data for this variant in the population databases is considered unreliable, as metrics indicate poor data quality at this position in the gnomAD database. This missense change has been observed in individual(s) with clinical features of autosomal recessive retinitis pigmentosa (PMID: 28559085, 30998820). In at least one individual the data is consistent with being in trans (on the opposite chromosome) from a pathogenic variant. It has also been observed to segregate with disease in related individuals. ClinVar contains an entry for this variant (Variation ID: 425323). Invitae Evidence Modeling of protein sequence and biophysical properties (such as structural, functional, and spatial information, amino acid conservation, physicochemical variation, residue mobility, and thermodynamic stability) has been performed for this missense variant. However, the output from this modeling did not meet the statistical confidence thresholds required to predict the impact of this variant on PDE6B protein function. For these reasons, this variant has been classified as Pathogenic.

Blueprint Genetics
Classification: Uncertain significance. Last evaluated: 2024-04-13. Review status: criteria provided, single submitter. Criteria: ACMG Guidelines, 2015. Collection method: clinical testing. Allele origin: germline.

Broad Center for Mendelian Genomics, Broad Institute of MIT and Harvard
Classification: Uncertain significance for Retinitis pigmentosa. Last evaluated: 2021-04-01. Review status: criteria provided, single submitter. Criteria: ACMG Guidelines, 2015. Collection method: curation. Allele origin: germline. Inheritance: Autosomal recessive inheritance. Affected: yes.
Comment: Through a review of available evidence we were able to apply the following criteria: PM2, PP3, PM3-P. Based on this evidence we have classified this variant as a Variant of Uncertain Significance. If you have any questions about the classification please reach out to the Pierce Lab.

CeGaT Center for Human Genetics Tuebingen
Classification: Uncertain significance. Last evaluated: 2017-02-01. Review status: criteria provided, single submitter. Criteria: CeGaT Center For Human Genetics Tuebingen Variant Classification Criteria Version 2. Collection method: clinical testing. Allele origin: germline. Affected: yes. Observed: 1 variant allele.

Literature cited by the submitters: PubMed 28559085 (cited by Labcorp Genetics (formerly Invitae), Labcorp); PubMed 30998820 (cited by Labcorp Genetics (formerly Invitae), Labcorp); PubMed 34906470 (cited by Broad Center for Mendelian Genomics, Broad Institute of MIT and Harvard).